The following is an entry in ClinVar:

ClinVar aggregate classification (germline): Uncertain significance (1 of 4 stars; one submission).

Conditions:
Glycogen storage disease IXb (GSD9B). Also called: PHOSPHORYLASE KINASE DEFICIENCY OF LIVER AND MUSCLE, AUTOSOMAL RECESSIVE; GLYCOGENOSIS OF LIVER AND MUSCLE, AUTOSOMAL RECESSIVE; GSD IXb. Identifiers: Orphanet 79240, MedGen C0543514, MONDO:0009868, OMIM 261750.

Submission:

Labcorp Genetics (formerly Invitae), Labcorp
Classification: Uncertain significance for Glycogen storage disease IXb. Last evaluated: 2020-10-08. Review status: criteria provided, single submitter. Criteria: Invitae Variant Classification Sherloc (09022015). Collection method: clinical testing. Allele origin: germline.
Comment: In summary, the available evidence is currently insufficient to determine the role of this variant in disease. Therefore, it has been classified as a Variant of Uncertain Significance. Algorithms developed to predict the effect of missense changes on protein structure and function are either unavailable or do not agree on the potential impact of this missense change (SIFT: "Tolerated"; PolyPhen-2: "Possibly Damaging"; Align-GVGD: "Class C0"). This variant has not been reported in the literature in individuals with PHKB-related conditions. This variant is not present in population databases (ExAC no frequency). This sequence change replaces arginine with lysine at codon 211 of the PHKB protein (p.Arg211Lys). The arginine residue is highly conserved and there is a small physicochemical difference between arginine and lysine.

NM_000293.3(PHKB):c.632G>A (p.Arg211Lys)

Gene: PHKB (phosphorylase kinase regulatory subunit beta; plus strand). Cytogenetic location: 16q12.1.
Variant type: single nucleotide variant.
Coding change: c.632G>A on transcript NM_000293.3 (MANE Select); coding-DNA position 632, G replaced by A.
Protein change: p.Arg211Lys; replaces arginine 211 with lysine.
Molecular consequence: missense variant.
Genome position (GRCh38, 1-based): chr16:47,547,470, G>A. VCF-style: chr16-47547470-G-A. GRCh37 (hg19) VCF-style: chr16-47581381-G-A.
Other names: c.611G>A, p.Arg204Lys (NM_001031835.3); c.632G>A, p.Arg211Lys (NM_001363837.1); short protein forms R204K, R211K.
Identifiers: ClinVar variation 1047231 (VCV001047231.8), dbSNP rs1971192807, ClinGen allele CA395787325.
Genomic context (GRCh38, chr16:47,547,470, plus strand): 5'-TGTTTCATTTCTTTTTCTTTTAGGTCTCTTTTATTCAAAACCTTGTATTTTGTGTGGAAA[G>A]AGTTTACCGTGTGCCTGACTTTGGTGTCTGGGAAAGAGGAAGCAAATATAATAATGGCAG-3'
Protein context (NP_000284.1, residues 201-221): FIQNLVFCVE[Arg211Lys]VYRVPDFGVW